The following is an entry in ClinVar:

ClinVar aggregate classification (germline): Uncertain significance (1 of 4 stars; one submission).

Conditions:
Hyperkalemic periodic paralysis. Also called: Familial hyperkalemic periodic paralysis; Gamstorp disease. Identifiers: Orphanet 682, MedGen C0238357, MONDO:0008224, OMIM 170500, HP:0007215.

Allele frequency attached by ClinVar (database versions not stated): gnomAD exomes 0.00001.
gnomAD v4.1: 4 of 1,603,190 alleles (0.00025%); highest among the groups gnomAD compares: Non-Finnish European, 0.00026%; no homozygotes.

Submission:

Labcorp Genetics (formerly Invitae), Labcorp
Classification: Uncertain significance for Hyperkalemic periodic paralysis. Last evaluated: 2019-01-18. Review status: criteria provided, single submitter. Criteria: Invitae Variant Classification Sherloc (09022015). Collection method: clinical testing. Allele origin: germline.
Comment: This sequence change replaces glutamic acid with lysine at codon 983 of the SCN4A protein (p.Glu983Lys). The glutamic acid residue is highly conserved and there is a small physicochemical difference between glutamic acid and lysine. This variant is not present in population databases (ExAC no frequency). This variant has not been reported in the literature in individuals with SCN4A-related conditions. Algorithms developed to predict the effect of missense changes on protein structure and function (SIFT, PolyPhen-2, Align-GVGD) all suggest that this variant is likely to be disruptive, but these predictions have not been confirmed by published functional studies and their clinical significance is uncertain. In summary, the available evidence is currently insufficient to determine the role of this variant in disease. Therefore, it has been classified as a Variant of Uncertain Significance.

NM_000334.4(SCN4A):c.2947G>A (p.Glu983Lys)

Genes: GH-LCR (growth hormone locus control region; plus strand), SCN4A (sodium voltage-gated channel alpha subunit 4; minus strand). Cytogenetic location: 17q23.3.
Variant type: single nucleotide variant.
Coding change: c.2947G>A on transcript NM_000334.4 (MANE Select); coding-DNA position 2947, G replaced by A.
Protein change: p.Glu983Lys; replaces glutamic acid 983 with lysine.
Molecular consequence: missense variant.
Genome position (GRCh38, 1-based): chr17:63,949,435, C>T on the plus strand (G>A on the coding strand, the complement: SCN4A is on the minus strand). VCF-style: chr17-63949435-C-T. GRCh37 (hg19) VCF-style: chr17-62026795-C-T.
Other names: short protein forms E983K.
Identifiers: ClinVar variation 851930 (VCV000851930.10), dbSNP rs1555601991, ClinGen allele CA400622258.